The following is an entry in ClinVar:

NM_001005242.3(PKP2):c.504C>T (p.Tyr168=)

Gene: PKP2 (plakophilin 2; minus strand). Cytogenetic location: 12p11.21.
Variant type: single nucleotide variant.
Coding change: c.504C>T on transcript NM_001005242.3 (MANE Select); coding-DNA position 504, C replaced by T.
Protein change: p.Tyr168=; no amino-acid change (tyrosine 168 retained).
Molecular consequence: synonymous variant.
Genome position (GRCh38, 1-based): chr12:32,878,376, G>A on the plus strand (C>T on the coding strand, the complement: PKP2 is on the minus strand). VCF-style: chr12-32878376-G-A. GRCh37 (hg19) VCF-style: chr12-33031310-G-A.
Other names: c.504C>T, p.Tyr168= (NM_004572.4).
Identifiers: ClinVar variation 381025 (VCV000381025.4), dbSNP rs1057520930, ClinGen allele CA16606604.

ClinVar aggregate classification (germline): Likely benign. Review status: criteria provided, multiple submitters, no conflicts (2 of 4 stars). 3 submissions from 3 submitters: Likely benign (3). Last evaluated 2023-05-31.

Conditions:
Arrhythmogenic right ventricular cardiomyopathy (ARVD). Also called: Cardiomyopathy, ARVC; Arrhythmogenic right ventricular dysplasia; Arrhythmogenic cardiomyopathy; Arrhythmogenic Right Ventricular Cardiomyopathy (ARVC). Identifiers: Orphanet 247, MedGen C0349788, MeSH D019571, MONDO:0016587. Disease mechanism: loss of function. Inheritance: Various modes of inheritance.
Cardiomyopathy (CMYO). Also called: Cardiomyopathies. Identifiers: Orphanet 167848, MedGen C0878544, MONDO:0004994, HP:0001638. Inheritance: Various modes of inheritance.

Allele frequency attached by ClinVar (database versions not stated): TOPMed below 0.00001; gnomAD exomes below 0.00001.
gnomAD v4.1: 1 of 1,613,996 alleles (0.000062%); highest among the groups gnomAD compares: South Asian, 0.0011%; no homozygotes.

Submissions (3):

All of Us Research Program, National Institutes of Health
Classification: Likely benign for Arrhythmogenic right ventricular cardiomyopathy. Last evaluated: 2023-05-31. Review status: criteria provided, single submitter. Criteria: ACMG Guidelines, 2015. Collection method: clinical testing. Allele origin: germline. Inheritance: Autosomal dominant inheritance. Observed: 1 variant allele, 1 heterozygote.
Comment: This study involves interpretation of variants in research participants for the purpose of population health screening. Participant phenotype was not available at the time of variant classification. Additional details can be found in publication PMID: 35346344, PMCID: PMC8962531

Color Diagnostics, LLC DBA Color Health
Classification: Likely benign for Cardiomyopathy. Last evaluated: 2022-08-29. Review status: criteria provided, single submitter. Criteria: ACMG Guidelines, 2015. Collection method: clinical testing. Allele origin: germline.

GeneDx
Classification: Likely benign. Last evaluated: 2015-10-22. Review status: criteria provided, single submitter. Criteria: GeneDx Variant Classification (06012015). Collection method: clinical testing. Allele origin: germline. Affected: yes.
Comment: This variant is considered likely benign or benign based on one or more of the following criteria: it is a conservative change, it occurs at a poorly conserved position in the protein, it is predicted to be benign by multiple in silico algorithms, and/or has population frequency not consistent with disease.